The following is an entry in ClinVar:

NM_000540.3(RYR1):c.10109G>A (p.Gly3370Glu)

Gene: RYR1 (ryanodine receptor 1; plus strand). Cytogenetic location: 19q13.2.
Variant type: single nucleotide variant.
Coding change: c.10109G>A on transcript NM_000540.3 (MANE Select); coding-DNA position 10109, G replaced by A.
Protein change: p.Gly3370Glu; replaces glycine 3370 with glutamic acid.
Molecular consequence: missense variant.
Genome position (GRCh38, 1-based): chr19:38,519,304, G>A. VCF-style: chr19-38519304-G-A. GRCh37 (hg19) VCF-style: chr19-39009944-G-A.
Other names: c.10109G>A, p.Gly3370Glu (NM_001042723.2); short protein forms G3370E.
Identifiers: ClinVar variation 3069259 (VCV003069259.2), dbSNP rs1317623682, ClinGen allele CA405695267.

ClinVar aggregate classification (germline): Uncertain significance. Review status: criteria provided, multiple submitters, no conflicts (2 of 4 stars). 2 submissions from 2 submitters: Uncertain significance (2). Last evaluated 2025-05-21.

Conditions:
RYR1-related disorder. Also called: RYR1-related condition; RYR1-related disorders. Identifiers: MedGen CN239331.
Malignant hyperthermia, susceptibility to, 1 (MHS1). Also called: RYR1-Related Malignant Hyperthermia Susceptibility; Anesthesia related hyperthermia; Malignant hyperpyrexia; Fulminating hyperpyrexia; Pharmacogenic myopathy; Malignant hyperthermia suceptibility 1. Identifiers: Orphanet 423, MedGen C2930980, MONDO:0007783, OMIM 145600.

Allele frequency attached by ClinVar (database versions not stated): gnomAD exomes below 0.00001; TOPMed below 0.00001; gnomAD 0.00001.
gnomAD v4.1: 2 of 1,613,976 alleles (0.00012%); highest among the groups gnomAD compares: Non-Finnish European, 0.00017%; no homozygotes.

Submissions (2):

Labcorp Genetics (formerly Invitae), Labcorp
Classification: Uncertain significance for RYR1-related disorder. Last evaluated: 2025-05-21. Review status: criteria provided, single submitter. Criteria: Invitae Variant Classification Sherloc (09022015). Collection method: clinical testing. Allele origin: germline.
Comment: This sequence change replaces glycine, which is neutral and non-polar, with glutamic acid, which is acidic and polar, at codon 3370 of the RYR1 protein (p.Gly3370Glu). This variant is not present in population databases (gnomAD no frequency). This variant has not been reported in the literature in individuals affected with RYR1-related conditions. ClinVar contains an entry for this variant (Variation ID: 3069259). Invitae Evidence Modeling of protein sequence and biophysical properties (such as structural, functional, and spatial information, amino acid conservation, physicochemical variation, residue mobility, and thermodynamic stability) indicates that this missense variant is not expected to disrupt RYR1 protein function with a negative predictive value of 80%. In summary, the available evidence is currently insufficient to determine the role of this variant in disease. Therefore, it has been classified as a Variant of Uncertain Significance.

All of Us Research Program, National Institutes of Health
Classification: Uncertain significance for Malignant hyperthermia, susceptibility to, 1. Last evaluated: 2022-12-07. Review status: criteria provided, single submitter. Criteria: ACMG Guidelines, 2015. Collection method: clinical testing. Allele origin: germline. Inheritance: Autosomal dominant inheritance. Observed: 1 variant allele, 1 heterozygote.
Comment: This study involves interpretation of variants in research participants for the purpose of population health screening. Participant phenotype was not available at the time of variant classification. Additional details can be found in publication PMID: 35346344, PMCID: PMC8962531